The following is an entry in ClinVar:

ClinVar aggregate classification (germline): Uncertain significance (1 of 4 stars; one submission).

Conditions:
PLXNA1-related disorder. Also called: PLXNA1-related condition.

gnomAD v4.1: 2 of 1,612,510 alleles (0.00012%); highest among the groups gnomAD compares: Non-Finnish European, 0.000085%; no homozygotes.

Submission:

PreventionGenetics, part of Exact Sciences
Classification: Uncertain significance for PLXNA1-related condition. Last evaluated: 2025-05-07. Review status: criteria provided, single submitter. Criteria: ACMG Guidelines, 2015. Collection method: clinical testing. Allele origin: germline.
Comment: The PLXNA1 c.3896-2A>G variant is predicted to disrupt the AG splice acceptor site and interfere with normal splicing. To our knowledge, this variant has not been reported in the literature. This variant is reported in 0.0065% of alleles in individuals of European (Non-Finnish) descent in gnomAD. Loss of function is not an establish mechanism of PLXNA1-related disease. At this time, the clinical significance of this variant is uncertain due to the absence of conclusive functional and genetic evidence.

NM_032242.4(PLXNA1):c.3896-2A>G

Gene: PLXNA1 (plexin A1; plus strand). Cytogenetic location: 3q21.3.
Variant type: single nucleotide variant.
Coding change: c.3896-2A>G on transcript NM_032242.4 (MANE Select); the canonical splice acceptor site of the intron before coding-DNA position 3896, A replaced by G.
Molecular consequence: splice acceptor variant.
Genome position (GRCh38, 1-based): chr3:127,020,200, A>G. VCF-style: chr3-127020200-A-G. GRCh37 (hg19) VCF-style: chr3-126739043-A-G.
Identifiers: ClinVar variation 4983621 (VCV004983621.1).